The following is an entry in ClinVar:

NM_001042492.3(NF1):c.6437A>G (p.Lys2146Arg)

Gene: NF1 (neurofibromin 1; plus strand). Cytogenetic location: 17q11.2.
Variant type: single nucleotide variant.
Coding change: c.6437A>G on transcript NM_001042492.3 (MANE Select); coding-DNA position 6437, A replaced by G.
Protein change: p.Lys2146Arg; replaces lysine 2146 with arginine.
Molecular consequence: missense variant.
Genome position (GRCh38, 1-based): chr17:31,337,377, A>G. VCF-style: chr17-31337377-A-G. GRCh37 (hg19) VCF-style: chr17-29664395-A-G.
Other names: c.6374A>G, p.Lys2125Arg (NM_000267.4); short protein forms K2125R, K2146R.
Identifiers: ClinVar variation 826361 (VCV000826361.13), dbSNP rs1597843678, ClinGen allele CA399013007.

ClinVar aggregate classification (germline): Uncertain significance. Review status: criteria provided, multiple submitters, no conflicts (2 of 4 stars). 3 submissions from 3 submitters: Uncertain significance (3). Last evaluated 2025-12-21.

Conditions:
Hereditary cancer-predisposing syndrome. Also called: Neoplastic Syndromes, Hereditary; Hereditary Cancer Syndrome; Hereditary neoplastic syndrome; Tumor predisposition. Identifiers: Orphanet 140162, MedGen C0027672, MeSH D009386, MONDO:0015356.
Cardiovascular phenotype. Identifiers: MedGen CN230736.
Neurofibromatosis, type 1 (NF1). Also called: Neurofibromatosis, type I; Peripheral type neurofibromatosis; VON RECKLINGHAUSEN DISEASE; NEUROFIBROMATOSIS, TYPE I, SOMATIC. Identifiers: Orphanet 636, MedGen C0027831, MONDO:0018975, OMIM 162200. Disease mechanism: loss of function.

Submissions (3):

Labcorp Genetics (formerly Invitae), Labcorp
Classification: Uncertain significance for Neurofibromatosis, type 1. Last evaluated: 2025-12-21. Review status: criteria provided, single submitter. Criteria: Invitae Variant Classification Sherloc (09022015). Collection method: clinical testing. Allele origin: germline.
Comment: This sequence change replaces lysine, which is basic and polar, with arginine, which is basic and polar, at codon 2125 of the NF1 protein (p.Lys2125Arg). This variant is not present in population databases (gnomAD no frequency). This variant has not been reported in the literature in individuals affected with NF1-related conditions. ClinVar contains an entry for this variant (Variation ID: 826361). Invitae Evidence Modeling of protein sequence and biophysical properties (such as structural, functional, and spatial information, amino acid conservation, physicochemical variation, residue mobility, and thermodynamic stability) has been performed for this missense variant. However, the output from this modeling did not meet the statistical confidence thresholds required to predict the impact of this variant on NF1 protein function. In summary, the available evidence is currently insufficient to determine the role of this variant in disease. Therefore, it has been classified as a Variant of Uncertain Significance.

Ambry Genetics
Classification: Uncertain significance for Cardiovascular phenotype; Hereditary cancer-predisposing syndrome. Last evaluated: 2024-09-10. Review status: criteria provided, single submitter. Criteria: Ambry Variant Classification Scheme 2023. Collection method: clinical testing. Allele origin: germline.
Comment: The p.K2125R variant (also known as c.6374A>G), located in coding exon 42 of the NF1 gene, results from an A to G substitution at nucleotide position 6374. The lysine at codon 2125 is replaced by arginine, an amino acid with highly similar properties. This amino acid position is highly conserved in available vertebrate species. In addition, the in silico prediction for this alteration is inconclusive. Based on the available evidence, the clinical significance of this variant remains unclear.

Genome-Nilou Lab
Classification: Uncertain significance for Neurofibromatosis, type 1. Last evaluated: 2022-03-15. Review status: criteria provided, single submitter. Criteria: ACMG Guidelines, 2015. Collection method: clinical testing. Allele origin: germline. Affected: no.